The following is an entry in ClinVar:

NM_001369268.1(ACAN):c.1183G>A (p.Gly395Ser)

Gene: ACAN (aggrecan; plus strand). Cytogenetic location: 15q26.1.
Variant type: single nucleotide variant.
Coding change: c.1183G>A on transcript NM_001369268.1 (MANE Select); coding-DNA position 1183, G replaced by A.
Protein change: p.Gly395Ser; replaces glycine 395 with serine.
Molecular consequence: missense variant.
Genome position (GRCh38, 1-based): chr15:88,845,636, G>A. VCF-style: chr15-88845636-G-A. GRCh37 (hg19) VCF-style: chr15-89388867-G-A.
Other names: c.1183G>A, p.Gly395Ser (NM_001135.4, NM_013227.4); short protein forms G395S.
Identifiers: ClinVar variation 713288 (VCV000713288.25), dbSNP rs117772298, ClinGen allele CA7719483.
Genomic context (GRCh38, chr15:88,845,636, plus strand): 5'-GTGACCTGGCCTGACATGGAGCTGCCACTGCCTCGAAACATCACTGAGGGTGAAGCCCGA[G>A]GCAGCGTGATCCTTACCGTAAAGCCCATCTTCGAGGTCTCCCCCAGTCCCCTGGAACCCG-3'
Protein context (NP_001356197.1, residues 385-405): PRNITEGEAR[Gly395Ser]SVILTVKPIF

ClinVar aggregate classification (germline): Benign/Likely benign. Review status: criteria provided, multiple submitters, no conflicts (2 of 4 stars). 3 submissions from 3 submitters: Benign (1); Likely benign (2). Last evaluated 2025-12-17.

Allele frequency attached by ClinVar (database versions not stated): ESP Exome Variant Server 0.00008; gnomAD 0.00045; gnomAD exomes 0.00110; TOPMed 0.00115; 1000 Genomes Project 0.00220; 1000 Genomes Project 30x 0.00234.
gnomAD v4.1: 601 of 1,614,068 alleles (0.037%); highest among the groups gnomAD compares: East Asian, 1%; 5 homozygotes.

Submissions (3):

Labcorp Genetics (formerly Invitae), Labcorp
Classification: Benign. Last evaluated: 2025-12-17. Review status: criteria provided, single submitter. Criteria: Invitae Variant Classification Sherloc (09022015). Collection method: clinical testing. Allele origin: germline.

CeGaT Center for Human Genetics Tuebingen
Classification: Likely benign. Last evaluated: 2024-11-01. Review status: criteria provided, single submitter. Criteria: CeGaT Center For Human Genetics Tuebingen Variant Classification Criteria Version 2. Collection method: clinical testing. Allele origin: germline. Affected: yes. Observed: 1 variant allele.
Comment: ACAN: BP4

Blueprint Genetics
Classification: Likely benign. Last evaluated: 2024-09-23. Review status: criteria provided, single submitter. Criteria: ACMG Guidelines, 2015. Collection method: clinical testing. Allele origin: germline.